The following is an entry in ClinVar:

NM_001631.5(ALPI):c.274C>T (p.Arg92Cys)

Gene: ALPI (alkaline phosphatase, intestinal; plus strand). Cytogenetic location: 2q37.1.
Variant type: single nucleotide variant.
Coding change: c.274C>T on transcript NM_001631.5 (MANE Select); coding-DNA position 274, C replaced by T.
Protein change: p.Arg92Cys; replaces arginine 92 with cysteine.
Molecular consequence: missense variant.
Genome position (GRCh38, 1-based): chr2:232,456,669, C>T. VCF-style: chr2-232456669-C-T. GRCh37 (hg19) VCF-style: chr2-233321379-C-T.
Other names: p.Arg92Cys; short protein forms R92C.
Identifiers: ClinVar variation 3053635 (VCV003053635.5), dbSNP rs61732024, ClinGen allele CA2166303.
Genomic context (GRCh38, chr2:232,456,669, plus strand): 5'-AGGATCCTAAAGGGGCAGAAGAATGGCAAACTGGGGCCTGAGACGCCCCTGGCCATGGAC[C>T]GCTTCCCATACCTGGCTCTGTCCAAGGTAAGGGCTGGGCCACCTCAGAGTCCTCCAAGCA-3'
Protein context (NP_001622.2, residues 82-102): LGPETPLAMD[Arg92Cys]FPYLALSKTY

ClinVar aggregate classification (germline): Likely benign. Review status: criteria provided, multiple submitters, no conflicts (2 of 4 stars). 3 submissions from 3 submitters: Likely benign (2). 1 of the submissions does not count toward it. Last evaluated 2025-03-19.

Conditions:
ALPI-related disorder. Also called: ALPI-related condition.

Allele frequency attached by ClinVar (database versions not stated): ExAC 0.00248; 1000 Genomes Project 0.00459; gnomAD 0.00558; 1000 Genomes Project 30x 0.00562; ESP Exome Variant Server 0.00662; TOPMed 0.00694.

Submissions (3):

Mayo Clinic Laboratories, Mayo Clinic
Classification: Likely benign. Last evaluated: 2025-03-19. Review status: criteria provided, single submitter. Criteria: ACMG Guidelines, 2015. Collection method: clinical testing. Allele origin: germline. Observed: 3 variant alleles.
Comment: BS1, BS2_supporting

Blueprint Genetics
Classification: Likely benign. Last evaluated: 2024-10-02. Review status: criteria provided, single submitter. Criteria: ACMG Guidelines, 2015. Collection method: clinical testing. Allele origin: germline.

PreventionGenetics, part of Exact Sciences
Classification: Benign for ALPI-related condition. Last evaluated: 2019-10-28. Review status: no assertion criteria provided. Collection method: clinical testing. Allele origin: germline. Not counted in ClinVar's aggregate classification.
Comment: This variant is classified as benign based on ACMG/AMP sequence variant interpretation guidelines (Richards et al. 2015 PMID: 25741868, with internal and published modifications).